The following is an entry in ClinVar:

NM_015072.5(TTLL5):c.568G>A (p.Val190Ile)

Gene: TTLL5 (tubulin tyrosine ligase like 5; plus strand). Cytogenetic location: 14q24.3.
Variant type: single nucleotide variant.
Coding change: c.568G>A on transcript NM_015072.5 (MANE Select); coding-DNA position 568, G replaced by A.
Protein change: p.Val190Ile; replaces valine 190 with isoleucine.
Molecular consequence: missense variant.
Genome position (GRCh38, 1-based): chr14:75,699,253, G>A. VCF-style: chr14-75699253-G-A. GRCh37 (hg19) VCF-style: chr14-76165596-G-A.
Other names: short protein forms V190I.
Identifiers: ClinVar variation 953934 (VCV000953934.9), dbSNP rs374783896, ClinGen allele CA7278975.

ClinVar aggregate classification (germline): Uncertain significance. Review status: criteria provided, multiple submitters, no conflicts (2 of 4 stars). 2 submissions from 2 submitters: Uncertain significance (2). Last evaluated 2024-01-08.

Allele frequency attached by ClinVar (database versions not stated): gnomAD exomes 0.00003 and 0.00008; ExAC 0.00007; ESP Exome Variant Server 0.00008; gnomAD 0.00011 and 0.00013; TOPMed 0.00013; 1000 Genomes Project 0.00040; 1000 Genomes Project 30x 0.00062.
gnomAD v4.1: 77 of 1,613,878 alleles (0.0048%); highest among the groups gnomAD compares: Middle Eastern, 0.099%; no homozygotes.

Submissions (2):

Labcorp Genetics (formerly Invitae), Labcorp
Classification: Uncertain significance. Last evaluated: 2024-01-08. Review status: criteria provided, single submitter. Criteria: Invitae Variant Classification Sherloc (09022015). Collection method: clinical testing. Allele origin: germline.
Comment: This sequence change replaces valine, which is neutral and non-polar, with isoleucine, which is neutral and non-polar, at codon 190 of the TTLL5 protein (p.Val190Ile). This variant is present in population databases (rs374783896, gnomAD 0.05%). This variant has not been reported in the literature in individuals affected with TTLL5-related conditions. ClinVar contains an entry for this variant (Variation ID: 953934). Advanced modeling of protein sequence and biophysical properties (such as structural, functional, and spatial information, amino acid conservation, physicochemical variation, residue mobility, and thermodynamic stability) performed at Invitae indicates that this missense variant is not expected to disrupt TTLL5 protein function with a negative predictive value of 80%. In summary, the available evidence is currently insufficient to determine the role of this variant in disease. Therefore, it has been classified as a Variant of Uncertain Significance.

Blueprint Genetics
Classification: Uncertain significance. Last evaluated: 2023-11-20. Review status: criteria provided, single submitter. Criteria: ACMG Guidelines, 2015. Collection method: clinical testing. Allele origin: germline.